The following is an entry in ClinVar:

ClinVar aggregate classification (germline): Pathogenic (1 of 4 stars; one submission).

Conditions:
Tubulinopathy. Also called: Tubulinopathies. Identifiers: MedGen CN850169, MONDO:0100153.

Submission:

Institute of Human Genetics, FAU Erlangen, Friedrich-Alexander-Universität Erlangen-Nürnberg
Classification: Pathogenic for Tubulinopathies. Last evaluated: 2018-07-01. Review status: criteria provided, single submitter. Criteria: ACMG Guidelines, 2015. Collection method: literature only. Allele origin: de novo. Affected: yes. Observed: 1 variant allele.
Comment: The c.652G>T, p.(Asp218Tyr) variant has been reported as a variant of de novo origin. This variant and associated phenotype was previously reported by Kumar et al. Hum Mol Genet, 2010 PMID: 20466733. Agyria (HP:0031882); Hypoplasia of the brainstem (HP:0002365); Cerebellar hypoplasia (HP:0001321); Hypoplastic hippocampus (HP:0025517); Dilation of lateral ventricles (HP:0006956); Microcephaly (HP:0000252)

Literature cited by the submitters: PubMed 30744660; DOI 10.1101/427948.

NM_006009.4(TUBA1A):c.652G>T (p.Asp218Tyr)

Gene: TUBA1A (tubulin alpha 1a; minus strand). Cytogenetic location: 12q13.12.
Variant type: single nucleotide variant.
Coding change: c.652G>T on transcript NM_006009.4 (MANE Select); coding-DNA position 652, G replaced by T.
Protein change: p.Asp218Tyr; replaces aspartic acid 218 with tyrosine.
Molecular consequence: missense variant.
Genome position (GRCh38, 1-based): chr12:49,185,714, C>A on the plus strand (G>T on the coding strand, the complement: TUBA1A is on the minus strand). VCF-style: chr12-49185714-C-A. GRCh37 (hg19) VCF-style: chr12-49579497-C-A.
Other names: c.652G>T, p.Asp218Tyr (NM_001270399.2); c.547G>T, p.Asp183Tyr (NM_001270400.2); short protein forms D218Y, D183Y.
Identifiers: ClinVar variation 625499 (VCV000625499.1), dbSNP rs1057517858, ClinGen allele CA384641036.